The following is an entry in ClinVar:

NM_002439.5(MSH3):c.2642A>G (p.Asn881Ser)

Gene: MSH3 (mutS homolog 3; plus strand). Cytogenetic location: 5q14.1.
Variant type: single nucleotide variant.
Coding change: c.2642A>G on transcript NM_002439.5 (MANE Select); coding-DNA position 2642, A replaced by G.
Protein change: p.Asn881Ser; replaces asparagine 881 with serine.
Molecular consequence: missense variant.
Genome position (GRCh38, 1-based): chr5:80,792,831, A>G. VCF-style: chr5-80792831-A-G. GRCh37 (hg19) VCF-style: chr5-80088650-A-G.
Other names: short protein forms N881S.
Identifiers: ClinVar variation 1515446 (VCV001515446.8), dbSNP rs1744631908, ClinGen allele CA360273043.

ClinVar aggregate classification (germline): Uncertain significance (1 of 4 stars; one submission).

Allele frequency attached by ClinVar (database versions not stated): gnomAD exomes below 0.00001.
gnomAD v4.1: 1 of 1,606,722 alleles (0.000062%); highest among the groups gnomAD compares: Non-Finnish European, 0.000085%; no homozygotes.

Submission:

Labcorp Genetics (formerly Invitae), Labcorp
Classification: Uncertain significance. Last evaluated: 2022-03-09. Review status: criteria provided, single submitter. Criteria: Invitae Variant Classification Sherloc (09022015). Collection method: clinical testing. Allele origin: germline.
Comment: In summary, the available evidence is currently insufficient to determine the role of this variant in disease. Therefore, it has been classified as a Variant of Uncertain Significance. Algorithms developed to predict the effect of sequence changes on RNA splicing suggest that this variant may create or strengthen a splice site. Algorithms developed to predict the effect of missense changes on protein structure and function output the following: SIFT: "Tolerated"; PolyPhen-2: "Benign"; Align-GVGD: "Class C0". The serine amino acid residue is found in multiple mammalian species, which suggests that this missense change does not adversely affect protein function. This variant has not been reported in the literature in individuals affected with MSH3-related conditions. This variant is not present in population databases (gnomAD no frequency). This sequence change replaces asparagine, which is neutral and polar, with serine, which is neutral and polar, at codon 881 of the MSH3 protein (p.Asn881Ser).